The following is an entry in ClinVar:

NM_000059.4(BRCA2):c.981G>T (p.Lys327Asn)

Gene: BRCA2 (BRCA2 DNA repair associated; plus strand). Cytogenetic location: 13q13.1.
Variant type: single nucleotide variant.
Coding change: c.981G>T on transcript NM_000059.4 (MANE Select); coding-DNA position 981, G replaced by T.
Protein change: p.Lys327Asn; replaces lysine 327 with asparagine.
Molecular consequence: missense variant.
Genome position (GRCh38, 1-based): chr13:32,332,459, G>T. VCF-style: chr13-32332459-G-T. GRCh37 (hg19) VCF-style: chr13-32906596-G-T.
Other names: c.981G>T, p.Lys327Asn (NM_001406719.1, NM_001406720.1, NM_001406721.1); short protein forms K327N.
Identifiers: ClinVar variation 1768321 (VCV001768321.4), dbSNP rs751890878, ClinGen allele CA387760956.

ClinVar aggregate classification (germline): Conflicting classifications of pathogenicity. Review status: criteria provided, conflicting classifications (1 of 4 stars). 2 submissions from 2 submitters: Uncertain significance (1); Likely benign (1). Last evaluated 2023-03-23.

Conditions:
Hereditary cancer-predisposing syndrome. Also called: Hereditary Cancer Syndrome; Hereditary neoplastic syndrome; Neoplastic Syndromes, Hereditary; Tumor predisposition. Identifiers: Orphanet 140162, MedGen C0027672, MeSH D009386, MONDO:0015356.

Submissions (2):

University of Washington Department of Laboratory Medicine, University of Washington
Classification: Likely benign for Hereditary cancer-predisposing syndrome. Last evaluated: 2023-03-23. Review status: criteria provided, single submitter. Criteria: Dines et al. (Genet Med. 2020). Collection method: curation. Allele origin: germline.
Comment: Missense variant in a coldspot region where missense variants are very unlikely to be pathogenic (PMID:31911673).

BRCA2 exon 10 coldspot. Reclassification based on statistical prior probability.

Ambry Genetics
Classification: Uncertain significance for Hereditary cancer-predisposing syndrome. Last evaluated: 2020-05-14. Review status: criteria provided, single submitter. Criteria: Ambry Variant Classification Scheme 2023. Collection method: clinical testing. Allele origin: germline.
Comment: The p.K327N variant (also known as c.981G>T), located in coding exon 9 of the BRCA2 gene, results from a G to T substitution at nucleotide position 981. The lysine at codon 327 is replaced by asparagine, an amino acid with similar properties. This amino acid position is well conserved in available vertebrate species. In addition, this alteration is predicted to be tolerated by in silico analysis. Since supporting evidence is limited at this time, the clinical significance of this alteration remains unclear.